The following is an entry in ClinVar:

NM_000217.3(KCNA1):c.689T>C (p.Ile230Thr)

Gene: KCNA1 (potassium voltage-gated channel subfamily A member 1; plus strand). Cytogenetic location: 12p13.32.
Variant type: single nucleotide variant.
Coding change: c.689T>C on transcript NM_000217.3 (MANE Select); coding-DNA position 689, T replaced by C.
Protein change: p.Ile230Thr; replaces isoleucine 230 with threonine.
Molecular consequence: missense variant.
Genome position (GRCh38, 1-based): chr12:4,912,067, T>C. VCF-style: chr12-4912067-T-C. GRCh37 (hg19) VCF-style: chr12-5021233-T-C.
Other names: short protein forms I230T.
Identifiers: ClinVar variation 3684027 (VCV003684027.2).
Genomic context (GRCh38, chr12:4,912,067, plus strand): 5'-TCATCTACAATTCCAACATCTTCACAGACCCCTTCTTCATCGTGGAAACGCTGTGTATCA[T>C]CTGGTTCTCCTTCGAGCTGGTGGTGCGCTTCTTCGCCTGCCCCAGCAAGACGGACTTCTT-3'
Protein context (NP_000208.2, residues 220-240): PFFIVETLCI[Ile230Thr]WFSFELVVRF

ClinVar aggregate classification (germline): Uncertain significance (1 of 4 stars; one submission).

Conditions:
Episodic ataxia type 1 (EA1). Also called: Episodic ataxia/myokymia syndrome; ATAXIA, EPISODIC, WITH MYOKYMIA; MYOKYMIA WITH PERIODIC ATAXIA; PAROXYSMAL ATAXIA WITH NEUROMYOTONIA, HEREDITARY. Identifiers: Orphanet 37612, Orphanet 972, MedGen C1719788, MONDO:0008047, OMIM 160120.

Submission:

Labcorp Genetics (formerly Invitae), Labcorp
Classification: Uncertain significance for Episodic ataxia type 1. Last evaluated: 2024-04-10. Review status: criteria provided, single submitter. Criteria: Invitae Variant Classification Sherloc (09022015). Collection method: clinical testing. Allele origin: germline.
Comment: This sequence change replaces isoleucine, which is neutral and non-polar, with threonine, which is neutral and polar, at codon 230 of the KCNA1 protein (p.Ile230Thr). This variant is not present in population databases (gnomAD no frequency). This variant has not been reported in the literature in individuals affected with KCNA1-related conditions. Advanced modeling of protein sequence and biophysical properties (such as structural, functional, and spatial information, amino acid conservation, physicochemical variation, residue mobility, and thermodynamic stability) performed at Invitae indicates that this missense variant is not expected to disrupt KCNA1 protein function with a negative predictive value of 80%. In summary, the available evidence is currently insufficient to determine the role of this variant in disease. Therefore, it has been classified as a Variant of Uncertain Significance.